The following is an entry in ClinVar:

ClinVar aggregate classification (germline): Uncertain significance. Review status: criteria provided, multiple submitters, no conflicts (2 of 4 stars). 5 submissions from 5 submitters: Uncertain significance (5). Last evaluated 2025-02-13.

Conditions:
Inborn genetic diseases. Identifiers: MedGen C0950123, MeSH D030342.
Hyperinsulinemic hypoglycemia, familial, 1 (HHF1). Also called: Persistent hyperinsulinemic hypoglycemia of infancy; HYPERINSULINISM, FAMILIAL, WITH PANCREATIC NESIDIOBLASTOSIS; HYPOGLYCEMIA, HYPERINSULINEMIC, OF INFANCY; NESIDIOBLASTOSIS OF PANCREAS; Persistent Hyperinsulinemia Hypoglycemia of Infancy. Identifiers: Orphanet 276575, Orphanet 276598, MedGen C2931832, MONDO:0009734, OMIM 256450.

Allele frequency attached by ClinVar (database versions not stated): gnomAD 0.00003; gnomAD exomes 0.00005; TOPMed 0.00005; ESP Exome Variant Server 0.00008; ExAC 0.00016.
gnomAD v4.1: 87 of 1,614,060 alleles (0.0054%); highest among the groups gnomAD compares: Non-Finnish European, 0.0067%; no homozygotes.

Submissions (5):

Labcorp Genetics (formerly Invitae), Labcorp
Classification: Uncertain significance. Last evaluated: 2025-02-13. Review status: criteria provided, single submitter. Criteria: Invitae Variant Classification Sherloc (09022015). Collection method: clinical testing. Allele origin: germline.
Comment: This sequence change replaces tyrosine, which is neutral and polar, with cysteine, which is neutral and slightly polar, at codon 230 of the ABCC8 protein (p.Tyr230Cys). This variant is present in population databases (rs140476117, gnomAD 0.02%). This missense change has been observed in individual(s) with hyperinsulinism (PMID: 32027066). ClinVar contains an entry for this variant (Variation ID: 2395795). Invitae Evidence Modeling of protein sequence and biophysical properties (such as structural, functional, and spatial information, amino acid conservation, physicochemical variation, residue mobility, and thermodynamic stability) indicates that this missense variant is expected to disrupt ABCC8 protein function with a positive predictive value of 95%. In summary, the available evidence is currently insufficient to determine the role of this variant in disease. Therefore, it has been classified as a Variant of Uncertain Significance.

CeGaT Center for Human Genetics Tuebingen
Classification: Uncertain significance. Last evaluated: 2025-01-01. Review status: criteria provided, single submitter. Criteria: CeGaT Center For Human Genetics Tuebingen Variant Classification Criteria Version 2. Collection method: clinical testing. Allele origin: germline. Affected: yes. Observed: 1 variant allele.
Comment: ABCC8: PM2, PP3

Blueprint Genetics
Classification: Uncertain significance. Last evaluated: 2024-01-10. Review status: criteria provided, single submitter. Criteria: ACMG Guidelines, 2015. Collection method: clinical testing. Allele origin: germline.

Broad Center for Mendelian Genomics, Broad Institute of MIT and Harvard
Classification: Uncertain significance for Hyperinsulinemic hypoglycemia, familial, 1. Last evaluated: 2023-08-16. Review status: criteria provided, single submitter. Criteria: ACMG Guidelines, 2015. Collection method: curation. Allele origin: germline. Inheritance: Autosomal recessive inheritance.
Comment: The p.Tyr230Cys variant in ABCC8 has been reported in 1 individual with hyperinsulinemic hypoglycemia (PMID: 32027066), and has been identified in 0.02% (26/113766) of European (non-Finnish) chromosomes by the Genome Aggregation Database (gnomAD; dbSNP ID: rs140476117). Although this variant has been seen in the general population in a heterozygous state, its frequency is not high enough to rule out a pathogenic role. This variant has also been reported in ClinVar (Variation ID: 2395795) and has been interpreted as a variant of uncertain significance by Ambry Genetics. Computational prediction tools and conservation analyses suggest that this variant may impact the protein, though this information is not predictive enough to determine pathogenicity. In summary, the clinical significance of the p.Tyr230Cys variant is uncertain. ACMG/AMP Criteria applied: PP3 (Richards 2015).

Ambry Genetics
Classification: Uncertain significance for Inborn genetic diseases. Last evaluated: 2022-03-09. Review status: criteria provided, single submitter. Criteria: Ambry Variant Classification Scheme 2023. Collection method: clinical testing. Allele origin: germline.
Comment: The c.689A>G (p.Y230C) alteration is located in exon 5 (coding exon 5) of the ABCC8 gene. This alteration results from a A to G substitution at nucleotide position 689, causing the tyrosine (Y) at amino acid position 230 to be replaced by a cysteine (C). Based on data from gnomAD, the G allele has an overall frequency of 0.01% (26/251492) total alleles studied. The highest observed frequency was 0.02% (26/113766) of European (non-Finnish) alleles. This amino acid position is highly conserved in available vertebrate species. This alteration is predicted to be deleterious by in silico analysis. Based on insufficient or conflicting evidence, the clinical significance of this alteration remains unclear.

Literature cited by the submitters: PubMed 32027066 (cited by Labcorp Genetics (formerly Invitae), Labcorp).

NM_000352.6(ABCC8):c.689A>G (p.Tyr230Cys)

Gene: ABCC8 (ATP binding cassette subfamily C member 8; minus strand). Cytogenetic location: 11p15.1.
Variant type: single nucleotide variant.
Coding change: c.689A>G on transcript NM_000352.6 (MANE Select); coding-DNA position 689, A replaced by G.
Protein change: p.Tyr230Cys; replaces tyrosine 230 with cysteine.
Molecular consequence: missense variant. On other transcripts: non-coding transcript variant (1).
Genome position (GRCh38, 1-based): chr11:17,461,716, T>C on the plus strand (A>G on the coding strand, the complement: ABCC8 is on the minus strand). VCF-style: chr11-17461716-T-C. GRCh37 (hg19) VCF-style: chr11-17483263-T-C.
Other names: NM_001287174.3:c.689A>G; c.689A>G, p.Tyr230Cys (NM_001287174.3, NM_001351295.2, NM_001351296.2 and 1 more transcripts); short protein forms Y230C.
Identifiers: ClinVar variation 2395795 (VCV002395795.19), dbSNP rs140476117, ClinGen allele CA500015.